The following is an entry in ClinVar:

NM_001199799.2(ILDR1):c.28del (p.Trp10fs)

Gene: ILDR1 (immunoglobulin like domain containing receptor 1; minus strand). Cytogenetic location: 3q13.33.
Variant type: Deletion.
Coding change: c.28del on transcript NM_001199799.2 (MANE Select); coding-DNA position 28, one base deleted (T; older notation c.28delT).
Protein change: p.Trp10fs; shifts the reading frame from tryptophan 10.
Molecular consequence: frameshift variant.
Genome position (GRCh38, 1-based): chr3:122,022,050, A deleted on the plus strand (T on the coding strand, the reverse complement: ILDR1 is on the minus strand); the first of 2 consecutive A bases (chr3:122,022,050-122,022,051); deleting either gives the same sequence. VCF-style (leftmost placement, unchanged base first): chr3-122022049-CA-C. GRCh37 (hg19) VCF-style: chr3-121740896-CA-C.
Other names: c.28del, p.Trp10fs (NM_001199800.2, NM_175924.4); short protein forms W10fs.
Identifiers: ClinVar variation 3601175 (VCV003601175.1).

ClinVar aggregate classification (germline): Pathogenic (1 of 4 stars; one submission).

Conditions:
Autosomal recessive nonsyndromic hearing loss 42. Identifiers: Orphanet 90636, MedGen C1864818, MONDO:0012326, OMIM 609646.

Submission:

Institute of Rare Diseases, West China Hospital, Sichuan University
Classification: Pathogenic for Autosomal recessive nonsyndromic hearing loss 42. Last evaluated: 2025-01-09. Review status: criteria provided, single submitter. Criteria: ClinGen HL ACMG Specifications v1. Collection method: research. Allele origin: germline. Affected: yes.
Comment: PVS1;PM3_Supporting;PM2_Supporting